The following is an entry in ClinVar:

NM_006846.4(SPINK5):c.2740-170G>A

Gene: SPINK5 (serine peptidase inhibitor Kazal type 5; plus strand). Cytogenetic location: 5q32.
Variant type: single nucleotide variant.
Coding change: c.2740-170G>A on transcript NM_006846.4 (MANE Select); 170 bases into the intron before coding-DNA position 2740, G replaced by A.
Molecular consequence: intron variant. On other transcripts: synonymous variant (1).
Genome position (GRCh38, 1-based): chr5:148,125,553, G>A. VCF-style: chr5-148125553-G-A. GRCh37 (hg19) VCF-style: chr5-147505116-G-A.
Other names: c.2769G>A, p.Ala923= (NM_001127698.2).
Identifiers: ClinVar variation 403487 (VCV000403487.9), dbSNP rs3764930, ClinGen allele CA3496111.

ClinVar aggregate classification (germline): Benign/Likely benign. Review status: criteria provided, multiple submitters, no conflicts (2 of 4 stars). 5 submissions from 5 submitters: Benign (4); Likely benign (1). Last evaluated 2026-01-08.

Allele frequency attached by ClinVar (database versions not stated): 1000 Genomes Project 30x 0.45128; 1000 Genomes Project 0.45327; TOPMed 0.50141; ESP Exome Variant Server 0.50650; gnomAD 0.50854 and 0.51143; ExAC 0.57479; gnomAD exomes 0.58546.
gnomAD v4.1: 958,995 of 1,613,138 alleles (59%); highest among the groups gnomAD compares: Admixed American, 70%; 292,662 homozygotes.

Submissions (5):

Women's Health and Genetics/Laboratory Corporation of America, LabCorp
Classification: Benign. Last evaluated: 2026-01-08. Review status: criteria provided, single submitter. Criteria: LabCorp Variant Classification Summary - May 2015. Collection method: clinical testing. Allele origin: germline.

Blueprint Genetics
Classification: Likely benign. Last evaluated: 2024-11-26. Review status: criteria provided, single submitter. Criteria: ACMG Guidelines, 2015. Collection method: clinical testing. Allele origin: germline.

Unidad de Genómica Garrahan, Hospital de Pediatría Garrahan
Classification: Benign. Last evaluated: 2024-01-24. Review status: criteria provided, single submitter. Criteria: ACMG Guidelines, 2015. Collection method: clinical testing. Allele origin: germline. Affected: no. Observed: 80 variant alleles.
Comment: This variant is classified as Benign based on local population frequency. This variant was detected in 91% of patients studied by a panel of primary immunodeficiencies. Number of patients: 80. Only high quality variants are reported.

GeneDx
Classification: Benign. Last evaluated: 2018-06-14. Review status: criteria provided, single submitter. Criteria: GeneDx Variant Classification (06012015). Collection method: clinical testing. Allele origin: germline. Affected: yes.
Comment: This variant is considered likely benign or benign based on one or more of the following criteria: it is a conservative change, it occurs at a poorly conserved position in the protein, it is predicted to be benign by multiple in silico algorithms, and/or has population frequency not consistent with disease.

Laboratory for Molecular Medicine, Mass General Brigham Personalized Medicine
Classification: Benign. Last evaluated: 2016-03-28. Review status: criteria provided, single submitter. Criteria: LMM Criteria. Collection method: clinical testing. Allele origin: germline.
Comment: Variant identified in a genome or exome case(s) and assessed due to predicted null impact of the variant or pathogenic assertions in the literature or databases. Disclaimer: This variant has not undergone full assessment. The following are preliminary notes: Frequency